The following is an entry in ClinVar:

NM_052867.4(NALCN):c.3199G>A (p.Val1067Met)

Gene: NALCN (sodium leak channel, non-selective; minus strand). Cytogenetic location: 13q32.3.
Variant type: single nucleotide variant.
Coding change: c.3199G>A on transcript NM_052867.4 (MANE Select); coding-DNA position 3199, G replaced by A.
Protein change: p.Val1067Met; replaces valine 1067 with methionine.
Molecular consequence: missense variant.
Genome position (GRCh38, 1-based): chr13:101,095,644, C>T on the plus strand (G>A on the coding strand, the complement: NALCN is on the minus strand). VCF-style: chr13-101095644-C-T. GRCh37 (hg19) VCF-style: chr13-101747995-C-T.
Other names: c.3286G>A, p.Val1096Met (NM_001350748.2); c.3199G>A, p.Val1067Met (NM_001350749.2); c.3112G>A, p.Val1038Met (NM_001350750.2, NM_001350751.2); short protein forms V1038M, V1067M, V1096M.
Identifiers: ClinVar variation 1712088 (VCV001712088.2), dbSNP rs141935269, ClinGen allele CA255416250.
Genomic context (GRCh38, chr13:101,095,644, plus strand): 5'-GCACCCAAAATCCAGGTTTTTTCTCTCCAGGCCTCAATTTTAAATTTAAGTTCTTTGACA[C>T]ACTGACATTAATTCTGAATATGCCATTGCAATCTTCCTAAAGTAGAAAAACAAGAGGAGA-3'
Protein context (NP_443099.1, residues 1057-1077): CNGIFRINVS[Val1067Met]SKNLNLKLRP

ClinVar aggregate classification (germline): Uncertain significance (1 of 4 stars; one submission).

Allele frequency attached by ClinVar (database versions not stated): gnomAD exomes below 0.00001; ESP Exome Variant Server 0.00008.
gnomAD v4.1: 1 of 1,613,390 alleles (0.000062%); highest among the groups gnomAD compares: Non-Finnish European, 0.000085%; no homozygotes.

Submission:

GeneDx
Classification: Uncertain significance. Last evaluated: 2022-04-18. Review status: criteria provided, single submitter. Criteria: GeneDx Variant Classification Process June 2021. Collection method: clinical testing. Allele origin: germline. Affected: yes.
Comment: Not observed at significant frequency in large population cohorts (gnomAD); In silico analysis supports that this missense variant does not alter protein structure/function; Has not been previously published as pathogenic or benign to our knowledge